The following is an entry in ClinVar:

ClinVar aggregate classification (germline): Pathogenic (1 of 4 stars; one submission).

Conditions:
Neurofibromatosis, type 1 (NF1). Also called: VON RECKLINGHAUSEN DISEASE; Peripheral type neurofibromatosis; NEUROFIBROMATOSIS, TYPE I, SOMATIC; Neurofibromatosis, type I. Identifiers: Orphanet 636, MedGen C0027831, MONDO:0018975, OMIM 162200. Disease mechanism: loss of function.

Submission:

Labcorp Genetics (formerly Invitae), Labcorp
Classification: Pathogenic for Neurofibromatosis, type 1. Last evaluated: 2016-07-14. Review status: criteria provided, single submitter. Criteria: Invitae Variant Classification Sherloc (09022015). Collection method: clinical testing. Allele origin: germline.
Comment: This variant is a gross deletion of the genomic region encompassing exons 34-46 of the NF1 gene. This creates a premature translational stop signal and is expected to result in an absent or disrupted protein product. For these reasons, this variant has been classified as Pathogenic. While this particular variant has not been reported in the literature, truncating variants in NF1 are known to be pathogenic (PMID: 10712197, 23913538).

Literature cited by the submitters: PubMed 10712197; PubMed 23913538.

NC_000017.10:g.(?_29587625)_(29669475_?)del

Genes: EVI2A (ecotropic viral integration site 2A; minus strand), EVI2B (ecotropic viral integration site 2B; minus strand), NF1 (neurofibromin 1; plus strand), OMG (oligodendrocyte myelin glycoprotein; minus strand). Cytogenetic location: 17q11.2.
Variant type: Deletion.
Identifiers: ClinVar variation 1072219 (VCV001072219.3).